The following is an entry in ClinVar:

NM_177438.3(DICER1):c.5425_5426delinsAA (p.Gly1809Lys)

Gene: DICER1 (dicer 1, ribonuclease III; minus strand). Cytogenetic location: 14q32.13.
Variant type: Indel.
Coding change: c.5425_5426delinsAA on transcript NM_177438.3 (MANE Select); coding-DNA positions 5425 to 5426, GG replaced by AA.
Protein change: p.Gly1809Lys; replaces glycine 1809 with lysine.
Molecular consequence: missense variant. On other transcripts: non-coding transcript variant (6), intron variant (1).
Genome position (GRCh38, 1-based): chr14:95,091,304-95,091,305, CC replaced by TT on the plus strand (GG replaced by AA on the coding strand, the reverse complement: DICER1 is on the minus strand). VCF-style: chr14-95091304-CC-TT. GRCh37 (hg19) VCF-style: chr14-95557641-CC-TT.
Other names: c.5425_5426delinsAA, p.Gly1809Lys (NM_001271282.3, NM_001291628.2, NM_001395677.1 and 7 more transcripts); c.5143_5144delinsAA, p.Gly1715Lys (NM_001395686.1); c.5020_5021delinsAA, p.Gly1674Lys (NM_001395687.1, NM_001395688.1, NM_001395689.1 and 1 more transcripts); c.4858_4859delinsAA, p.Gly1620Lys (NM_001395691.1); c.3742_3743delinsAA, p.Gly1248Lys (NM_001395697.1); c.5365-196_5365-195delinsAA (NM_001195573.1); short protein forms G1248K, G1620K, G1674K, G1715K, G1809K.
Identifiers: ClinVar variation 4530093 (VCV004530093.1).

ClinVar aggregate classification (somatic clinical impact): Tier I - Strong (1 of 4 stars; one submission).

Conditions:
Primary intracranial sarcoma, DICER1-mutant. Identifiers: MedGen C5670660, MONDO:0858967.

Submission:

Institute for Genomic Medicine (IGM) Clinical Laboratory, Nationwide Children's Hospital
Classification: Tier I - Strong for Primary intracranial sarcoma, DICER1-mutant. Assertion type: diagnostic. Clinical significance: supports diagnosis. Last evaluated: 2023-09-01. Review status: criteria provided, single submitter. Criteria: AMP/ASCO/CAP Guidelines, 2017. Collection method: clinical testing. Allele origin: somatic. Affected: yes.
Comment: Variant has Tier I (strong) clinical significance as a diagnostic inclusion criterion in primary intracranial sarcoma, DICER1-mutant, based on the following evidence: 1) Appears in one or more well-established professional guidelines (e.g., World Health Organization [WHO]; National Comprehensive Cancer Network [NCCN]) as providing diagnostic, prognostic, or therapeutic information. 2) Information in the literature supports potential biologic effect of variant (PMID: 26033159). 3) Diagnostic for a specific tumor type/classification according to professional guidelines (Evidence Level A; PMIDs: 29881993, 32291395, 36966138, 31487013, 34674226).

Literature cited by the submitters: PubMed 26033159; PubMed 29881993; PubMed 32291395; PubMed 36966138; PubMed 31487013; PubMed 34674226.